The following is an entry in ClinVar:

ClinVar aggregate classification (germline): Uncertain significance (1 of 4 stars; one submission).

Submission:

Labcorp Genetics (formerly Invitae), Labcorp
Classification: Uncertain significance. Last evaluated: 2024-12-26. Review status: criteria provided, single submitter. Criteria: Invitae Variant Classification Sherloc (09022015). Collection method: clinical testing. Allele origin: germline.
Comment: This sequence change replaces isoleucine, which is neutral and non-polar, with serine, which is neutral and polar, at codon 1293 of the FAT4 protein (p.Ile1293Ser). This variant is not present in population databases (gnomAD no frequency). This variant has not been reported in the literature in individuals affected with FAT4-related conditions. Invitae Evidence Modeling of protein sequence and biophysical properties (such as structural, functional, and spatial information, amino acid conservation, physicochemical variation, residue mobility, and thermodynamic stability) indicates that this missense variant is not expected to disrupt FAT4 protein function with a negative predictive value of 80%. In summary, the available evidence is currently insufficient to determine the role of this variant in disease. Therefore, it has been classified as a Variant of Uncertain Significance.

NM_001291303.3(FAT4):c.3878T>G (p.Ile1293Ser)

Gene: FAT4 (FAT atypical cadherin 4; plus strand). Cytogenetic location: 4q28.1.
Variant type: single nucleotide variant.
Coding change: c.3878T>G on transcript NM_001291303.3 (MANE Select); coding-DNA position 3878, T replaced by G.
Protein change: p.Ile1293Ser; replaces isoleucine 1293 with serine.
Molecular consequence: missense variant.
Genome position (GRCh38, 1-based): chr4:125,320,289, T>G. VCF-style: chr4-125320289-T-G. GRCh37 (hg19) VCF-style: chr4-126241444-T-G.
Other names: c.3878T>G, p.Ile1293Ser (NM_001291285.3, NM_024582.6); short protein forms I1293S.
Identifiers: ClinVar variation 3709107 (VCV003709107.2).